The following is an entry in ClinVar:

NM_015267.4(CUX2):c.1009G>A (p.Asp337Asn)

Gene: CUX2 (cut like homeobox 2; plus strand). Cytogenetic location: 12q24.12.
Variant type: single nucleotide variant.
Coding change: c.1009G>A on transcript NM_015267.4 (MANE Select); coding-DNA position 1009, G replaced by A.
Protein change: p.Asp337Asn; replaces aspartic acid 337 with asparagine.
Molecular consequence: missense variant.
Genome position (GRCh38, 1-based): chr12:111,307,071, G>A. VCF-style: chr12-111307071-G-A. GRCh37 (hg19) VCF-style: chr12-111744875-G-A.
Other names: c.823G>A, p.Asp275Asn (NM_001370598.1); short protein forms D337N, D275N.
Identifiers: ClinVar variation 806942 (VCV000806942.43), dbSNP rs201601231, ClinGen allele CA6788538.

ClinVar aggregate classification (germline): Uncertain significance. Review status: criteria provided, single submitter (1 of 4 stars). 2 submissions from 2 submitters: Uncertain significance (1). 1 of the submissions does not count toward it. Last evaluated 2019-05-01.

Conditions:
Developmental and epileptic encephalopathy, 67. Also called: EPILEPTIC ENCEPHALOPATHY, EARLY INFANTILE, 67. Identifiers: MedGen C4748341, MONDO:0029138, OMIM 618141.

Allele frequency attached by ClinVar (database versions not stated): ESP Exome Variant Server 0.00008; gnomAD 0.00010 and 0.00013; TOPMed 0.00013; 1000 Genomes Project 30x 0.00031; 1000 Genomes Project 0.00040.
gnomAD v4.1: 192 of 1,613,190 alleles (0.012%); highest among the groups gnomAD compares: East Asian, 0.22%; no homozygotes.

Submissions (2):

CeGaT Center for Human Genetics Tuebingen
Classification: Uncertain significance. Last evaluated: 2019-05-01. Review status: criteria provided, single submitter. Criteria: CeGaT Center For Human Genetics Tuebingen Variant Classification Criteria Version 2. Collection method: clinical testing. Allele origin: germline. Affected: yes. Observed: 1 variant allele.

Hong-Tao Li Lab, Institute of Brain Science and Brain-inspired Research, Shandong First Medical University & Shandong Academy of Medical Sciences China
Classification: Uncertain significance for Developmental and epileptic encephalopathy, 67. Review status: no assertion criteria provided. Collection method: research. Allele origin: germline. Inheritance: Autosomal dominant inheritance. Affected: yes. Observed: 1 variant allele, 1 heterozygote. Not counted in ClinVar's aggregate classification.
Comment: Observed in affected individuals from a Pakistani neurodevelopmental-disorder research cohort of 263 individuals. Classification assigned using the ACMG/AMP framework. Population-frequency evidence: gnomAD AF 0.0001218.